The following is an entry in ClinVar:

ClinVar aggregate classification (germline): Uncertain significance (1 of 4 stars; one submission).

gnomAD v4.1: 3 of 1,614,048 alleles (0.00019%); highest among the groups gnomAD compares: African/African-American, 0.0027%; no homozygotes.

Submission:

Labcorp Genetics (formerly Invitae), Labcorp
Classification: Uncertain significance. Last evaluated: 2025-07-08. Review status: criteria provided, single submitter. Criteria: Invitae Variant Classification Sherloc (09022015). Collection method: clinical testing. Allele origin: germline.
Comment: This sequence change replaces serine, which is neutral and polar, with glycine, which is neutral and non-polar, at codon 3099 of the SRCAP protein (p.Ser3099Gly). This variant is present in population databases (rs750203486, gnomAD 0.0009%). This variant has not been reported in the literature in individuals affected with SRCAP-related conditions. An algorithm developed to predict the effect of missense changes on protein structure and function outputs the following: PolyPhen-2: "Not Available". The glycine amino acid residue is found in multiple mammalian species, which suggests that this missense change does not adversely affect protein function. In summary, the available evidence is currently insufficient to determine the role of this variant in disease. Therefore, it has been classified as a Variant of Uncertain Significance.

NM_006662.3(SRCAP):c.9295A>G (p.Ser3099Gly)

Gene: SRCAP (Snf2 related CREBBP activator protein; plus strand). Cytogenetic location: 16p11.2.
Variant type: single nucleotide variant.
Coding change: c.9295A>G on transcript NM_006662.3 (MANE Select); coding-DNA position 9295, A replaced by G.
Protein change: p.Ser3099Gly; replaces serine 3099 with glycine.
Molecular consequence: missense variant.
Genome position (GRCh38, 1-based): chr16:30,739,335, A>G. VCF-style: chr16-30739335-A-G. GRCh37 (hg19) VCF-style: chr16-30750656-A-G.
Other names: short protein forms S3099G.
Identifiers: ClinVar variation 4737731 (VCV004737731.1).